The following is an entry in ClinVar:

ClinVar aggregate classification (germline): Uncertain significance (1 of 4 stars; one submission).

Conditions:
Predisposition to Wilms tumor.

gnomAD v4.1: 3 of 1,612,714 alleles (0.00019%); highest among the groups gnomAD compares: African/African-American, 0.0027%; no homozygotes.

Submission:

St. Jude Molecular Pathology, St. Jude Children's Research Hospital
Classification: Uncertain significance for Predisposition to Wilms tumor. Last evaluated: 2025-02-05. Review status: criteria provided, single submitter. Criteria: St. Jude Assertion Criteria 2020. Collection method: clinical testing. Allele origin: germline.
Comment: The NYNRIN c.3313A>G (p.Arg1105Gly) missense change is absent in gnomAD v2.1.1. The in silico tool REVEL predicts a benign effect on protein function, but to our knowledge this prediction has not been confirmed by functional studies. To our knowledge, this variant has not been reported in individuals with Wilms tumor. In summary, the evidence currently available is insufficient to determine the clinical significance of this variant. It has therefore been classified as of uncertain significance.

NM_025081.3(NYNRIN):c.3313A>G (p.Arg1105Gly)

Gene: NYNRIN (NYN domain and retroviral integrase containing; plus strand). Cytogenetic location: 14q12.
Variant type: single nucleotide variant.
Coding change: c.3313A>G on transcript NM_025081.3 (MANE Select); coding-DNA position 3313, A replaced by G.
Protein change: p.Arg1105Gly; replaces arginine 1105 with glycine.
Molecular consequence: missense variant.
Genome position (GRCh38, 1-based): chr14:24,415,062, A>G. VCF-style: chr14-24415062-A-G. GRCh37 (hg19) VCF-style: chr14-24884268-A-G.
Other names: short protein forms R1105G.
Identifiers: ClinVar variation 3602685 (VCV003602685.1).
Genomic context (GRCh38, chr14:24,415,062, plus strand): 5'-CTCACCATCCCCAGCAACTTCACCGCACTCTCCTTCTTCATGGGCTTCATGGACTCCCAC[A>G]GGGATGCCATCCCTGACTATGAAGCCCTAGTGGGCCCCCTGCACAGCCTCCTCAAGCAGA-3'
Protein context (NP_079357.2, residues 1095-1115): SFFMGFMDSH[Arg1105Gly]DAIPDYEALV